The following is an entry in ClinVar:

ClinVar aggregate classification (germline): Uncertain significance (1 of 4 stars; one submission).

Submission:

GeneDx
Classification: Uncertain significance. Last evaluated: 2025-01-15. Review status: criteria provided, single submitter. Criteria: GeneDx Variant Classification Process June 2021. Collection method: clinical testing. Allele origin: germline. Affected: yes.
Comment: Not observed at significant frequency in large population cohorts (gnomAD); Frameshift variant predicted to result in protein truncation or nonsense mediated decay in a gene or region of a gene for which loss of function is not a well-established mechanism of disease; Has not been previously published as pathogenic or benign to our knowledge; Variants in candidate genes are classified as variants of uncertain significance in accordance with ACMG guidelines (PMID: 25741868)

NM_032805.3(ZSCAN10):c.495_505del (p.Lys165fs)

Gene: ZSCAN10 (zinc finger and SCAN domain containing 10; minus strand). Cytogenetic location: 16p13.3.
Variant type: Deletion.
Coding change: c.495_505del on transcript NM_032805.3 (MANE Select); coding-DNA positions 495 to 505, 11 bases deleted (GGAATTGCCTG).
Protein change: p.Lys165fs; shifts the reading frame from lysine 165.
Molecular consequence: frameshift variant. On other transcripts: 5 prime UTR variant (1), intron variant (3).
Genome position (GRCh38, 1-based): chr16:3,092,208-3,092,218, CAGGCAATTCC deleted on the plus strand (GGAATTGCCTG on the coding strand, the reverse complement: ZSCAN10 is on the minus strand). VCF-style (leftmost placement, unchanged base first): chr16-3092207-GCAGGCAATTCC-G. GRCh37 (hg19) VCF-style: chr16-3142208-GCAGGCAATTCC-G.
Other names: c.-688_-678del (NM_001282415.2); c.-518-390_-518-380del (NM_001365273.1); c.119-390_119-380del (NM_001365272.1); c.253+324_253+334del (NM_001282416.2); short protein forms K165fs.
Identifiers: ClinVar variation 4532338 (VCV004532338.1).